The following is an entry in ClinVar:

NM_001844.5(COL2A1):c.272C>G (p.Thr91Ser)

Gene: COL2A1 (collagen type II alpha 1 chain; minus strand). Cytogenetic location: 12q13.11.
Variant type: single nucleotide variant.
Coding change: c.272C>G on transcript NM_001844.5 (MANE Select); coding-DNA position 272, C replaced by G.
Protein change: p.Thr91Ser; replaces threonine 91 with serine.
Molecular consequence: missense variant. On other transcripts: intron variant (1).
Genome position (GRCh38, 1-based): chr12:47,999,939, G>C on the plus strand (C>G on the coding strand, the complement: COL2A1 is on the minus strand). VCF-style: chr12-47999939-G-C. GRCh37 (hg19) VCF-style: chr12-48393722-G-C.
Other names: c.86-1508C>G (NM_033150.3); short protein forms T91S.
Identifiers: ClinVar variation 3635074 (VCV003635074.2).
Genomic context (GRCh38, chr12:47,999,939, plus strand): 5'-TAATTTATTTATGTTGAACAGGAAATAAATAAATTACAACCACTGGCAGTGGCGAGGTCA[G>C]TTGGGCAGATGGGGCAGCACTCTCCGAAGGGGATCTCAGGGCTGAGGCAGTCTTTCACGT-3'
Protein context (NP_001835.3, residues 81-101): PFGECCPICP[Thr91Ser]DLATASGQPG

ClinVar aggregate classification (germline): Uncertain significance (1 of 4 stars; one submission).

Submission:

Labcorp Genetics (formerly Invitae), Labcorp
Classification: Uncertain significance. Last evaluated: 2024-02-14. Review status: criteria provided, single submitter. Criteria: Invitae Variant Classification Sherloc (09022015). Collection method: clinical testing. Allele origin: germline.
Comment: This sequence change replaces threonine, which is neutral and polar, with serine, which is neutral and polar, at codon 91 of the COL2A1 protein (p.Thr91Ser). This variant is not present in population databases (gnomAD no frequency). This variant has not been reported in the literature in individuals affected with COL2A1-related conditions. Advanced modeling of protein sequence and biophysical properties (such as structural, functional, and spatial information, amino acid conservation, physicochemical variation, residue mobility, and thermodynamic stability) performed at Invitae indicates that this missense variant is not expected to disrupt COL2A1 protein function with a negative predictive value of 95%. In summary, the available evidence is currently insufficient to determine the role of this variant in disease. Therefore, it has been classified as a Variant of Uncertain Significance.